The following is an entry in ClinVar:

NM_000069.3(CACNA1S):c.3628G>A (p.Gly1210Arg)

Gene: CACNA1S (calcium voltage-gated channel subunit alpha1 S; minus strand). Cytogenetic location: 1q32.1.
Variant type: single nucleotide variant.
Coding change: c.3628G>A on transcript NM_000069.3 (MANE Select); coding-DNA position 3628, G replaced by A.
Protein change: p.Gly1210Arg; replaces glycine 1210 with arginine.
Molecular consequence: missense variant.
Genome position (GRCh38, 1-based): chr1:201,054,543, C>T on the plus strand (G>A on the coding strand, the complement: CACNA1S is on the minus strand). VCF-style: chr1-201054543-C-T. GRCh37 (hg19) VCF-style: chr1-201023671-C-T.
Other names: short protein forms G1210R.
Identifiers: ClinVar variation 294729 (VCV000294729.39), dbSNP rs148870919, ClinGen allele CA082677.
Genomic context (GRCh38, chr1:201,054,543, plus strand): 5'-GGCTCGTGCAGCCTGAAATTACAACGTTCCCGCAGCCTCCACCCAGGCAATACAGTCCCC[C>T]GCTGGAGGCCAGGAAAGTCTGTGGAGAAAAGAGACGAAGGGAGGGGAAGGAGAGGAGAGA-3'
Protein context (NP_000060.2, residues 1200-1220): SEIDTFLASS[Gly1210Arg]GLYCLGGGCG

ClinVar aggregate classification (germline): Conflicting classifications of pathogenicity. Review status: criteria provided, conflicting classifications (1 of 4 stars). 9 submissions from 9 submitters: Uncertain significance (4); Benign (2); Likely benign (3). Last evaluated 2026-01-28.

Conditions:
CACNA1S-related disorder. Also called: CACNA1S-related condition.
Malignant hyperthermia, susceptibility to, 5 (MHS5). Also called: CACNA1S-Related Malignant Hyperthermia Susceptibility. Identifiers: Orphanet 423, MedGen C1866077, MONDO:0011163, OMIM 601887.
Hypokalemic periodic paralysis, type 1. Also called: HypoPP; Hypokalemic Periodic Paralysis Type 1 (AD). Identifiers: Orphanet 681, MedGen C3714580, MONDO:0042979, OMIM 170400.

Allele frequency attached by ClinVar (database versions not stated): gnomAD exomes 0.00045; gnomAD 0.00050 and 0.00053; ExAC 0.00054; TOPMed 0.00060; ESP Exome Variant Server 0.00092.
gnomAD v4.1: 1,277 of 1,613,574 alleles (0.079%); highest among the groups gnomAD compares: Non-Finnish European, 0.1%; 1 homozygote.

Submissions (9):

Labcorp Genetics (formerly Invitae), Labcorp
Classification: Likely benign for Hypokalemic periodic paralysis, type 1; Malignant hyperthermia, susceptibility to, 5. Last evaluated: 2026-01-28. Review status: criteria provided, single submitter. Criteria: Invitae Variant Classification Sherloc (09022015). Collection method: clinical testing. Allele origin: germline.

PreventionGenetics, part of Exact Sciences
Classification: Uncertain significance for CACNA1S-related condition. Last evaluated: 2025-12-11. Review status: criteria provided, single submitter. Criteria: ACMG Guidelines, 2015. Collection method: clinical testing. Allele origin: germline.
Comment: The CACNA1S c.3628G>A variant is predicted to result in the amino acid substitution p.Gly1210Arg. This variant was reported in an individual with hypokalemic periodic paralysis that also carried additional CACNA1S and RYR1 missense variants (Miller. 2018. PubMed ID: 30236257; Marchant et al. 2004. PubMed ID: 15221887). This variant is reported in 0.088% of alleles in individuals of European (non-Finnish) descent in gnomAD, which is likely too frequent to be a primary cause of autosomal dominant disease. At this time, the clinical significance of this variant is uncertain due to the absence of conclusive functional and genetic evidence.

Women's Health and Genetics/Laboratory Corporation of America, LabCorp
Classification: Likely benign. Last evaluated: 2025-01-03. Review status: criteria provided, single submitter. Criteria: LabCorp Variant Classification Summary - May 2015. Collection method: clinical testing. Allele origin: germline.
Comment: Variant summary: CACNA1S c.3628G>A (p.Gly1210Arg) results in a non-conservative amino acid change in the encoded protein sequence. Four of five in-silico tools predict a damaging effect of the variant on protein function. The variant allele was found at a frequency of 0.00045 in 249850 control chromosomes, predominantly at a frequency of 0.00089 within the Non-Finnish European subpopulation in the gnomAD database. The observed variant frequency within Non-Finnish European control individuals in the gnomAD database is approximately 8.9 fold of the estimated maximal expected allele frequency for a pathogenic variant in CACNA1S causing Hypokalemic periodic paralysis, type 1 phenotype (0.0001). To our knowledge, no occurrence of c.3628G>A in individuals affected with Hypokalemic periodic paralysis, type 1 and no experimental evidence demonstrating its impact on protein function have been reported. ClinVar contains an entry for this variant (Variation ID: 294729). Based on the evidence outlined above, the variant was classified as likely benign.

Blueprint Genetics
Classification: Likely benign. Last evaluated: 2024-10-09. Review status: criteria provided, single submitter. Criteria: ACMG Guidelines, 2015. Collection method: clinical testing. Allele origin: germline.

Athena Diagnostics
Classification: Benign. Last evaluated: 2024-07-09. Review status: criteria provided, single submitter. Criteria: Athena Diagnostics Criteria. Collection method: clinical testing. Allele origin: unknown.

Color Diagnostics, LLC DBA Color Health
Classification: Uncertain significance for Malignant hyperthermia, susceptibility to, 5. Last evaluated: 2024-05-01. Review status: criteria provided, single submitter. Criteria: ACMG Guidelines, 2015. Collection method: clinical testing. Allele origin: germline.
Comment: This missense variant replaces glycine with arginine at codon 1210 of the CACNA1S protein. Computational prediction is inconclusive regarding the impact of this variant on protein structure and function. To our knowledge, functional studies have not been reported for this variant. This variant has been reported in an individual affected with malignant hyperthermia and hypokalemic periodic paralysis (PMID: 30236257). This variant has been identified in 128/281250 chromosomes in the general population by the Genome Aggregation Database (gnomAD). The available evidence is insufficient to determine the role of this variant in disease conclusively. Therefore, this variant is classified as a Variant of Uncertain Significance.

GeneDx
Classification: Uncertain significance. Last evaluated: 2024-04-11. Review status: criteria provided, single submitter. Criteria: GeneDx Variant Classification Process June 2021. Collection method: clinical testing. Allele origin: germline. Affected: yes.
Comment: Previously reported in a patient with hypokalemic periodic paralysis and malignant hyperthermia; this patient was also heterozygous for other variants in the CACNA1S and RYR1 genes (PMID: 30236257); In silico analysis indicates that this missense variant does not alter protein structure/function; This variant is associated with the following publications: (PMID: 31851124, 30236257)

ARUP Laboratories, Molecular Genetics and Genomics, ARUP Laboratories
Classification: Uncertain significance. Last evaluated: 2022-12-30. Review status: criteria provided, single submitter. Criteria: ARUP Molecular Germline Variant Investigation Process 2024. Collection method: clinical testing. Allele origin: germline.
Comment: The CACNA1S c.3628G>A; p.Gly1210Arg variant (rs148870919), to our knowledge, is not reported in the medical literature but is reported in ClinVar (Variation ID: 294729). This variant is found in the general population with an overall allele frequency of 0.05% (128/281250 alleles) in the Genome Aggregation Database. Computational analyses are uncertain whether this variant is neutral or deleterious (REVEL: 0.62). Due to limited information, the clinical significance of this variant is uncertain at this time.

Illumina Laboratory Services, Illumina
Classification: Benign for Hypokalemic periodic paralysis, type 1. Last evaluated: 2018-01-13. Review status: criteria provided, single submitter. Criteria: ICSL Variant Classification Criteria 13 December 2019. Collection method: clinical testing. Allele origin: germline.
Comment: This variant was observed in the ICSL laboratory as part of a predisposition screen in an ostensibly healthy population. It had not been previously curated by ICSL or reported in the Human Gene Mutation Database (HGMD: prior to June 1st, 2018), and was therefore a candidate for classification through an automated scoring system. Utilizing variant allele frequency, disease prevalence and penetrance estimates, and inheritance mode, an automated score was calculated to assess if this variant is too frequent to cause the disease. Based on the score and internal cut-off values, a variant classified as benign is not then subjected to further curation. The score for this variant resulted in a classification of benign for this disease.

Literature cited by the submitters: PubMed 30236257 (cited by Athena Diagnostics and Color Diagnostics, LLC DBA Color Health).